The following is an entry in ClinVar:

ClinVar aggregate classification (germline): Conflicting classifications of pathogenicity. Review status: criteria provided, conflicting classifications (1 of 4 stars). 2 submissions from 2 submitters: Uncertain significance (1); Likely benign (1). Last evaluated 2026-05-05.

Conditions:
Renal cell carcinoma. Identifiers: Orphanet 217071, MedGen C0007134, MeSH D002292, MONDO:0005086, HP:0005584.
Hereditary cancer-predisposing syndrome. Also called: Neoplastic Syndromes, Hereditary; Tumor predisposition; Hereditary Cancer Syndrome; Hereditary neoplastic syndrome. Identifiers: Orphanet 140162, MedGen C0027672, MeSH D009386, MONDO:0015356.

gnomAD v4.1: 1 of 1,613,812 alleles (0.000062%); highest among the groups gnomAD compares: Non-Finnish European, 0.000085%; no homozygotes.

Submissions (2):

Ambry Genetics
Classification: Likely benign for Hereditary cancer-predisposing syndrome. Last evaluated: 2026-05-05. Review status: criteria provided, single submitter. Criteria: Ambry Variant Classification Scheme 2023. Collection method: clinical testing. Allele origin: germline.

Labcorp Genetics (formerly Invitae), Labcorp
Classification: Uncertain significance for Renal cell carcinoma. Last evaluated: 2024-07-21. Review status: criteria provided, single submitter. Criteria: Invitae Variant Classification Sherloc (09022015). Collection method: clinical testing. Allele origin: germline.
Comment: This sequence change replaces serine, which is neutral and polar, with tryptophan, which is neutral and slightly polar, at codon 548 of the MET protein (p.Ser548Trp). This variant is present in population databases (no rsID available, gnomAD 0.0009%). This variant has not been reported in the literature in individuals affected with MET-related conditions. ClinVar contains an entry for this variant (Variation ID: 1777088). Advanced modeling of protein sequence and biophysical properties (such as structural, functional, and spatial information, amino acid conservation, physicochemical variation, residue mobility, and thermodynamic stability) performed at Invitae indicates that this missense variant is not expected to disrupt MET protein function with a negative predictive value of 80%. In summary, the available evidence is currently insufficient to determine the role of this variant in disease. Therefore, it has been classified as a Variant of Uncertain Significance.

NM_000245.4(MET):c.1643C>G (p.Ser548Trp)

Gene: MET (MET proto-oncogene, receptor tyrosine kinase; plus strand). Cytogenetic location: 7q31.2.
Variant type: single nucleotide variant.
Coding change: c.1643C>G on transcript NM_000245.4 (MANE Select); coding-DNA position 1643, C replaced by G.
Protein change: p.Ser548Trp; replaces serine 548 with tryptophan.
Molecular consequence: missense variant.
Genome position (GRCh38, 1-based): chr7:116,740,967, C>G. VCF-style: chr7-116740967-C-G. GRCh37 (hg19) VCF-style: chr7-116381021-C-G.
Other names: c.1643C>G, p.Ser548Trp (NM_001127500.3, NM_001324401.3); c.353C>G, p.Ser118Trp (NM_001324402.2); short protein forms S118W, S548W.
Identifiers: ClinVar variation 1777088 (VCV001777088.5), dbSNP rs767715328, ClinGen allele CA368975631.
Genomic context (GRCh38, chr7:116,740,967, plus strand): 5'-AATGCCTCTCTGCCCCACCCTTTGTTCAGTGTGGCTGGTGCCACGACAAATGTGTGCGAT[C>G]GGAGGAATGCCTGAGCGGGACATGGACTCAACAGATCTGTCTGCCTGCAATCTACAAGGT-3'
Protein context (NP_000236.2, residues 538-558): CGWCHDKCVR[Ser548Trp]EECLSGTWTQ